The following is an entry in ClinVar:

NM_003839.4(TNFRSF11A):c.757G>A (p.Ala253Thr)

Gene: TNFRSF11A (TNF receptor superfamily member 11a; plus strand). Cytogenetic location: 18q21.33.
Variant type: single nucleotide variant.
Coding change: c.757G>A on transcript NM_003839.4 (MANE Select); coding-DNA position 757, G replaced by A.
Protein change: p.Ala253Thr; replaces alanine 253 with threonine.
Molecular consequence: missense variant. On other transcripts: intron variant (2).
Genome position (GRCh38, 1-based): chr18:62,366,734, G>A. VCF-style: chr18-62366734-G-A. GRCh37 (hg19) VCF-style: chr18-60033967-G-A.
Other names: c.757G>A (NM_003839.2); c.757G>A, p.Ala253Thr (NM_001270949.2); c.715G>A, p.Ala239Thr (NM_001278268.2); c.730+4941G>A (NM_001270950.2); c.616+6685G>A (NM_001270951.2); short protein forms A239T, A253T.
Identifiers: ClinVar variation 1373899 (VCV001373899.9), dbSNP rs755988219, ClinGen allele CA8983855.

ClinVar aggregate classification (germline): Uncertain significance. Review status: criteria provided, multiple submitters, no conflicts (2 of 4 stars). 2 submissions from 2 submitters: Uncertain significance (2). Last evaluated 2024-02-24.

Conditions:
Inborn genetic diseases. Identifiers: MedGen C0950123, MeSH D030342.

Allele frequency attached by ClinVar (database versions not stated): gnomAD exomes below 0.00001 and 0.00006; ExAC 0.00001; gnomAD 0.00001; TOPMed 0.00001.
gnomAD v4.1: 82 of 1,614,086 alleles (0.0051%); highest among the groups gnomAD compares: Non-Finnish European, 0.0069%; no homozygotes.

Submissions (2):

Labcorp Genetics (formerly Invitae), Labcorp
Classification: Uncertain significance. Last evaluated: 2024-02-24. Review status: criteria provided, single submitter. Criteria: Invitae Variant Classification Sherloc (09022015). Collection method: clinical testing. Allele origin: germline.
Comment: This sequence change replaces alanine, which is neutral and non-polar, with threonine, which is neutral and polar, at codon 253 of the TNFRSF11A protein (p.Ala253Thr). This variant is present in population databases (rs755988219, gnomAD 0.0009%). This variant has not been reported in the literature in individuals affected with TNFRSF11A-related conditions. ClinVar contains an entry for this variant (Variation ID: 1373899). Advanced modeling of protein sequence and biophysical properties (such as structural, functional, and spatial information, amino acid conservation, physicochemical variation, residue mobility, and thermodynamic stability) performed at Invitae indicates that this missense variant is not expected to disrupt TNFRSF11A protein function with a negative predictive value of 80%. In summary, the available evidence is currently insufficient to determine the role of this variant in disease. Therefore, it has been classified as a Variant of Uncertain Significance.

Ambry Genetics
Classification: Uncertain significance for Inborn genetic diseases. Last evaluated: 2023-04-07. Review status: criteria provided, single submitter. Criteria: Ambry Variant Classification Scheme 2023. Collection method: clinical testing. Allele origin: germline.